The following is an entry in ClinVar:

ClinVar aggregate classification (germline): Uncertain significance (1 of 4 stars; one submission).

Submission:

Labcorp Genetics (formerly Invitae), Labcorp
Classification: Uncertain significance. Last evaluated: 2025-06-12. Review status: criteria provided, single submitter. Criteria: Invitae Variant Classification Sherloc (09022015). Collection method: clinical testing. Allele origin: germline.
Comment: This sequence change replaces glycine, which is neutral and non-polar, with arginine, which is basic and polar, at codon 1572 of the FBN3 protein (p.Gly1572Arg). This variant is not present in population databases (gnomAD no frequency). This variant has not been reported in the literature in individuals affected with FBN3-related conditions. ClinVar contains an entry for this variant (Variation ID: 2090855). Invitae Evidence Modeling of protein sequence and biophysical properties (such as structural, functional, and spatial information, amino acid conservation, physicochemical variation, residue mobility, and thermodynamic stability) indicates that this missense variant is expected to disrupt FBN3 protein function with a positive predictive value of 80%. In summary, the available evidence is currently insufficient to determine the role of this variant in disease. Therefore, it has been classified as a Variant of Uncertain Significance.

NM_032447.5(FBN3):c.4714G>A (p.Gly1572Arg)

Gene: FBN3 (fibrillin 3; minus strand). Cytogenetic location: 19p13.2.
Variant type: single nucleotide variant.
Coding change: c.4714G>A on transcript NM_032447.5 (MANE Select); coding-DNA position 4714, G replaced by A.
Protein change: p.Gly1572Arg; replaces glycine 1572 with arginine.
Molecular consequence: missense variant.
Genome position (GRCh38, 1-based): chr19:8,106,207, C>T on the plus strand (G>A on the coding strand, the complement: FBN3 is on the minus strand). VCF-style: chr19-8106207-C-T. GRCh37 (hg19) VCF-style: chr19-8171091-C-T.
Other names: c.4714G>A, p.Gly1572Arg (NM_001321431.2); short protein forms G1572R.
Identifiers: ClinVar variation 2090855 (VCV002090855.4), dbSNP rs2512756999, ClinGen allele CA403735866.
Genomic context (GRCh38, chr19:8,106,207, plus strand): 5'-GTGGGCACTCACACTGGAAACTGCCAAACGTGTTGACGCAGTCACCCCCCTGACACAGCC[C>T]TGGCAGCTCTTGGCACTCGTCGATGTCTGTCAGGAAGTAAGGAAGCCAAGCTTGGGAGCT-3'
Protein context (NP_115823.3, residues 1562-1582): EDIDECQELP[Gly1572Arg]LCQGGDCVNT